The following is an entry in ClinVar:

NM_016653.3(MAP3K20):c.1493A>G (p.Glu498Gly)

Genes: MAP3K20 (mitogen-activated protein kinase kinase kinase 20; plus strand), MAP3K20-AS1 (MAP3K20 antisense RNA 1; minus strand). Cytogenetic location: 2q31.1.
Variant type: single nucleotide variant.
Coding change: c.1493A>G on transcript NM_016653.3 (MANE Select); coding-DNA position 1493, A replaced by G.
Protein change: p.Glu498Gly; replaces glutamic acid 498 with glycine.
Molecular consequence: missense variant.
Genome position (GRCh38, 1-based): chr2:173,261,079, A>G. VCF-style: chr2-173261079-A-G. GRCh37 (hg19) VCF-style: chr2-174125807-A-G.
Other names: short protein forms E498G.
Identifiers: ClinVar variation 3679096 (VCV003679096.2).

ClinVar aggregate classification (germline): Uncertain significance (1 of 4 stars; one submission).

Submission:

Labcorp Genetics (formerly Invitae), Labcorp
Classification: Uncertain significance. Last evaluated: 2024-09-12. Review status: criteria provided, single submitter. Criteria: Invitae Variant Classification Sherloc (09022015). Collection method: clinical testing. Allele origin: germline.
Comment: This sequence change replaces glutamic acid, which is acidic and polar, with glycine, which is neutral and non-polar, at codon 498 of the MAP3K20 protein (p.Glu498Gly). This variant is not present in population databases (gnomAD no frequency). This variant has not been reported in the literature in individuals affected with MAP3K20-related conditions. Invitae Evidence Modeling of protein sequence and biophysical properties (such as structural, functional, and spatial information, amino acid conservation, physicochemical variation, residue mobility, and thermodynamic stability) indicates that this missense variant is not expected to disrupt MAP3K20 protein function with a negative predictive value of 95%. In summary, the available evidence is currently insufficient to determine the role of this variant in disease. Therefore, it has been classified as a Variant of Uncertain Significance.